The following is an entry in ClinVar:

ClinVar aggregate classification (germline): Likely benign. Review status: criteria provided, multiple submitters, no conflicts (2 of 4 stars). 3 submissions from 3 submitters: Likely benign (3). Last evaluated 2025-12-06.

Conditions:
EYS-related disorder. Also called: EYS-related condition.

Allele frequency attached by ClinVar (database versions not stated): gnomAD exomes 0.00003 and below 0.00001; gnomAD 0.00017; TOPMed 0.00018; 1000 Genomes Project 30x 0.00031; 1000 Genomes Project 0.00040.
gnomAD v4.1: 31 of 1,522,464 alleles (0.002%); highest among the groups gnomAD compares: African/African-American, 0.042%; no homozygotes.

Submissions (3):

Labcorp Genetics (formerly Invitae), Labcorp
Classification: Likely benign. Last evaluated: 2025-12-06. Review status: criteria provided, single submitter. Criteria: Invitae Variant Classification Sherloc (09022015). Collection method: clinical testing. Allele origin: germline.

PreventionGenetics, part of Exact Sciences
Classification: Likely benign for EYS-related condition. Last evaluated: 2025-02-26. Review status: criteria provided, single submitter. Criteria: ACMG Guidelines, 2015. Collection method: clinical testing. Allele origin: germline.
Comment: This variant is classified as likely benign based on ACMG/AMP sequence variant interpretation guidelines (Richards et al. 2015 PMID: 25741868, with internal and published modifications).

Blueprint Genetics
Classification: Likely benign. Last evaluated: 2024-03-14. Review status: criteria provided, single submitter. Criteria: ACMG Guidelines, 2015. Collection method: clinical testing. Allele origin: germline.

NM_001142800.2(EYS):c.3447T>C (p.Cys1149=)

Gene: EYS (EGF-like photoreceptor maintenance factor; minus strand). Cytogenetic location: 6q12.
Variant type: single nucleotide variant.
Coding change: c.3447T>C on transcript NM_001142800.2 (MANE Select); coding-DNA position 3447, T replaced by C.
Protein change: p.Cys1149=; no amino-acid change (cysteine 1149 retained).
Molecular consequence: synonymous variant.
Genome position (GRCh38, 1-based): chr6:64,626,242, A>G on the plus strand (T>C on the coding strand, the complement: EYS is on the minus strand). VCF-style: chr6-64626242-A-G. GRCh37 (hg19) VCF-style: chr6-65336135-A-G.
Other names: c.3447T>C, p.Cys1149= (NM_001292009.2); c.3447T>C (NM_001142800.1).
Identifiers: ClinVar variation 1129860 (VCV001129860.11), dbSNP rs192254604, ClinGen allele CA140345080.